The following is an entry in ClinVar:

NM_024675.4(PALB2):c.2586+10A>G

Gene: PALB2 (partner and localizer of BRCA2; minus strand). Cytogenetic location: 16p12.2.
Variant type: single nucleotide variant.
Coding change: c.2586+10A>G on transcript NM_024675.4 (MANE Select); 10 bases into the intron after coding-DNA position 2586, A replaced by G.
Molecular consequence: intron variant.
Genome position (GRCh38, 1-based): chr16:23,629,194, T>C on the plus strand (A>G on the coding strand, the complement: PALB2 is on the minus strand). VCF-style: chr16-23629194-T-C. GRCh37 (hg19) VCF-style: chr16-23640515-T-C.
Other names: p.?.
Identifiers: ClinVar variation 126661 (VCV000126661.40), dbSNP rs373321719, ClinGen allele CA292645.

ClinVar aggregate classification (germline): Conflicting classifications of pathogenicity. Review status: criteria provided, conflicting classifications (1 of 4 stars). 18 submissions from 18 submitters: Uncertain significance (1); Benign (3); Likely benign (11). 3 of the submissions do not count toward it. Last evaluated 2026-02-03.

Conditions:
Breast and/or ovarian cancer. Identifiers: MedGen CN221562.
Hereditary cancer-predisposing syndrome. Also called: Hereditary neoplastic syndrome; Tumor predisposition; Neoplastic Syndromes, Hereditary; Hereditary Cancer Syndrome. Identifiers: Orphanet 140162, MedGen C0027672, MeSH D009386, MONDO:0015356.
Endometrial carcinoma. Also called: Endometrial carcinoma, somatic. Identifiers: MedGen C0476089, MONDO:0002447, OMIM 608089, HP:0012114.
Familial cancer of breast. Also called: hereditary breast carcinoma; Hereditary breast cancer; BREAST CANCER, FAMILIAL. Identifiers: Orphanet 227535, MedGen C0346153, MONDO:0016419, OMIM 114480. Disease mechanism: loss of function.
Fanconi anemia complementation group N. Also called: PALB2-Related Fanconi Anemia. Identifiers: Orphanet 84, MedGen C1835817, MONDO:0012565, OMIM 610832. Disease mechanism: loss of function.

Allele frequency attached by ClinVar (database versions not stated): ExAC 0.00012; TOPMed 0.00012; gnomAD 0.00013 and 0.00014; ESP Exome Variant Server 0.00031.

Submissions (18):

Labcorp Genetics (formerly Invitae), Labcorp
Classification: Likely benign for Familial cancer of breast. Last evaluated: 2026-02-03. Review status: criteria provided, single submitter. Criteria: Invitae Variant Classification Sherloc (09022015). Collection method: clinical testing. Allele origin: germline.

Mayo Clinic Laboratories, Mayo Clinic
Classification: Likely benign. Last evaluated: 2025-06-25. Review status: criteria provided, single submitter. Criteria: ACMG Guidelines, 2015. Collection method: clinical testing. Allele origin: germline. Observed: 1 variant allele.
Comment: BS1, BP4, BP7

ARUP Laboratories, Molecular Genetics and Genomics, ARUP Laboratories
Classification: Benign. Last evaluated: 2025-03-07. Review status: criteria provided, single submitter. Criteria: ARUP Molecular Germline Variant Investigation Process 2024. Collection method: clinical testing. Allele origin: germline.

Center for Genomic Medicine, Rigshospitalet, Copenhagen University Hospital
Classification: Likely benign. Last evaluated: 2025-03-04. Review status: criteria provided, single submitter. Criteria: ACMG Guidelines, 2015. Collection method: clinical testing. Allele origin: germline.

Blueprint Genetics
Classification: Likely benign. Last evaluated: 2024-11-15. Review status: criteria provided, single submitter. Criteria: ACMG Guidelines, 2015. Collection method: clinical testing. Allele origin: germline.

Institute for Biomarker Research, Medical Diagnostic Laboratories, L.L.C.
Classification: Likely benign for Hereditary cancer-predisposing syndrome. Last evaluated: 2024-08-12. Review status: criteria provided, single submitter. Criteria: ACMG Guidelines, 2015. Collection method: clinical testing. Allele origin: germline.
Comment: The intron variant NM_024675.4(PALB2):c.2586+10A>G has not been reported previously as a pathogenic variant, to our knowledge. The c.2586+10A>G variant is not predicted to disrupt the existing donor splice site 8bp upstream by any splice site algorithm. The c.2586+10A>G variant results in a substitution of a base that is not predicted conserved by GERP++ and PhyloP. For these reasons, this variant has been classified as Likely Benign

CHEO Genetics Diagnostic Laboratory, Children's Hospital of Eastern Ontario
Classification: Likely benign for Breast and/or ovarian cancer. Last evaluated: 2023-04-05. Review status: criteria provided, single submitter. Criteria: ACMG Guidelines, 2015. Collection method: clinical testing. Allele origin: germline.

Myriad Genetics, Inc.
Classification: Benign for Familial cancer of breast. Last evaluated: 2023-03-31. Review status: criteria provided, single submitter. Criteria: Myriad Autosomal Dominant, Autosomal Recessive and X-Linked Classification Criteria (2023). Collection method: clinical testing. Allele origin: unknown.
Comment: This variant is considered benign. This variant is intronic and is not expected to impact mRNA splicing. This variant is strongly associated with less severe personal and family histories of cancer, typical for individuals without pathogenic variants in this gene [PMID: 25085752].

Quest Diagnostics Nichols Institute San Juan Capistrano
Classification: Likely benign. Last evaluated: 2022-09-08. Review status: criteria provided, single submitter. Criteria: Quest Diagnostics criteria. Collection method: clinical testing. Allele origin: unknown.

Genetic Services Laboratory, University of Chicago
Classification: Likely benign. Last evaluated: 2021-10-15. Review status: criteria provided, single submitter. Criteria: ACMG Guidelines, 2015. Collection method: clinical testing. Allele origin: germline. Affected: no.

Illumina Laboratory Services, Illumina
Classification: Uncertain significance for Fanconi anemia complementation group N. Last evaluated: 2018-02-12. Review status: criteria provided, single submitter. Criteria: ICSL Variant Classification Criteria 13 December 2019. Collection method: clinical testing. Allele origin: germline.

Women's Health and Genetics/Laboratory Corporation of America, LabCorp
Classification: Likely benign. Last evaluated: 2017-05-15. Review status: criteria provided, single submitter. Criteria: LabCorp Variant Classification Summary - May 2015. Collection method: clinical testing. Allele origin: germline.
Comment: Variant summary: The PALB2 c.2586+10A>G variant involves the alteration of a non-conserved intronic nucleotide. One in silico tool predicts a benign outcome for this variant. 5/5 splice prediction tools predict no significant impact on normal splicing. However, these predictions have yet to be confirmed by functional studies. This variant was found in 14/121320 control chromosomes, predominantly observed in the European (Non-Finnish) subpopulation at a frequency of 0.00021 (14/66684). This frequency is about 1.4 times the estimated maximal expected allele frequency of a pathogenic PALB2 variant (0.0001563), suggesting this is likely a benign polymorphism found primarily in the populations of European (Non-Finnish) origin. This variant has been reported in the affected individuals without strong causality. In addition, multiple clinical diagnostic laboratories/reputable databases classified this variant as likely benign. Taken together, this variant is classified as likely benign.

PreventionGenetics, part of Exact Sciences
Classification: Likely benign. Last evaluated: 2016-11-22. Review status: criteria provided, single submitter. Criteria: ACMG Guidelines, 2015. Collection method: clinical testing. Allele origin: germline.

Color Diagnostics, LLC DBA Color Health
Classification: Likely benign for Hereditary cancer-predisposing syndrome. Last evaluated: 2015-06-01. Review status: criteria provided, single submitter. Criteria: ACMG Guidelines, 2015. Collection method: clinical testing. Allele origin: germline.

GeneDx
Classification: Benign. Last evaluated: 2014-04-28. Review status: criteria provided, single submitter. Criteria: GeneDx Variant Classification (06012015). Collection method: clinical testing. Allele origin: germline. Affected: yes.
Comment: This variant is considered likely benign or benign based on one or more of the following criteria: it is a conservative change, it occurs at a poorly conserved position in the protein, it is predicted to be benign by multiple in silico algorithms, and/or has population frequency not consistent with disease.

Leiden Open Variation Database
Classification: Likely benign. Last evaluated: 2019-05-13. Review status: no assertion criteria provided. Collection method: curation. Allele origin: germline. Affected: yes. Not counted in ClinVar's aggregate classification.
Comment: Curators: Marc Tischkowitz, Arleen D. Auerbach. Submitter to LOVD: Marc Tischkowitz.

Counsyl
Classification: Likely benign for Familial cancer of breast. Last evaluated: 2015-12-18. Review status: no assertion criteria provided. Collection method: clinical testing. Allele origin: unknown. Not counted in ClinVar's aggregate classification.

Department of Pathology and Laboratory Medicine, Sinai Health System
Classification: Likely benign for Endometrial carcinoma. Review status: no assertion criteria provided. Collection method: clinical testing. Allele origin: unknown. Affected: yes. Observed: 1 variant allele. Study: The Canadian Open Genetics Repository (COGR). Not counted in ClinVar's aggregate classification.
Comment: The PALB2 c.2586+10A>G variant was identified in 1 of 2288 proband chromosomes (frequency: 0.0004) from individuals or families with breast cancer (Casadei 2011). The variant was also identified in dbSNP (ID: rs373321719) as "With other allele", ClinVar (classified as benign by GeneDx; as likely benign by Invitae, Counsyl and four other submitters; as uncertain significance by PALB2 database), and in LOVD 3.0 (2x). The variant was identified in control databases in 29 of 276830 chromosomes at a frequency of 0.0001 increasing the likelihood this could be a low frequency benign variant (Genome Aggregation Database Feb 27, 2017). The variant was observed in the following populations: Latino in 2 of 34420 chromosomes (freq: 0.00006), European in 27 of 126668 chromosomes (freq: 0.0002); it was not observed in the African, Other, Ashkenazi Jewish, East Asian, Finnish, and South Asian populations. The variant occurs outside of the splicing consensus sequence and in silico or computational prediction software programs (SpliceSiteFinder, MaxEntScan, NNSPLICE, GeneSplicer) do not predict a difference in splicing. In summary, based on the above information the clinical significance of this variant cannot be determined with certainty at this time although we would lean towards a more benign role for this variant. This variant is classified as likely benign.

Literature cited by the submitters: PubMed 25085752 (cited by Myriad Genetics, Inc.); PubMed 21285249 (cited by 4 submitters); PubMed 25356972 (cited by 3 submitters).